The following is an entry in ClinVar:

ClinVar aggregate classification (germline): Likely benign. Review status: criteria provided, multiple submitters, no conflicts (2 of 4 stars). 2 submissions from 2 submitters: Likely benign (2). Last evaluated 2023-12-07.

Conditions:
Autosomal dominant limb-girdle muscular dystrophy type 1F (LGMDD2). Also called: Limb-girdle muscular dystrophy, type 1F; MUSCULAR DYSTROPHY, LIMB-GIRDLE, AUTOSOMAL DOMINANT 2. Identifiers: Orphanet 55595, MedGen C1842062, MONDO:0012034, OMIM 608423.

Allele frequency attached by ClinVar (database versions not stated): gnomAD 0.00001; gnomAD exomes 0.00001; ExAC 0.00002; TOPMed 0.00002.
gnomAD v4.1: 12 of 1,614,040 alleles (0.00074%); highest among the groups gnomAD compares: Middle Eastern, 0.033%; no homozygotes.

Submissions (2):

Labcorp Genetics (formerly Invitae), Labcorp
Classification: Likely benign for Autosomal dominant limb-girdle muscular dystrophy type 1F. Last evaluated: 2023-12-07. Review status: criteria provided, single submitter. Criteria: Invitae Variant Classification Sherloc (09022015). Collection method: clinical testing. Allele origin: germline.

GeneDx
Classification: Likely benign. Last evaluated: 2016-05-25. Review status: criteria provided, single submitter. Criteria: GeneDx Variant Classification (06012015). Collection method: clinical testing. Allele origin: germline. Affected: yes.
Comment: This variant is considered likely benign or benign based on one or more of the following criteria: it is a conservative change, it occurs at a poorly conserved position in the protein, it is predicted to be benign by multiple in silico algorithms, and/or has population frequency not consistent with disease.

NM_012470.4(TNPO3):c.1209A>G (p.Val403=)

Gene: TNPO3 (transportin 3; minus strand). Cytogenetic location: 7q32.1.
Variant type: single nucleotide variant.
Coding change: c.1209A>G on transcript NM_012470.4 (MANE Select); coding-DNA position 1209, A replaced by G.
Protein change: p.Val403=; no amino-acid change (valine 403 retained).
Molecular consequence: synonymous variant. On other transcripts: non-coding transcript variant (18), intron variant (1).
Genome position (GRCh38, 1-based): chr7:128,993,864, T>C on the plus strand (A>G on the coding strand, the complement: TNPO3 is on the minus strand). VCF-style: chr7-128993864-T-C. GRCh37 (hg19) VCF-style: chr7-128633918-T-C.
Other names: c.1209A>G, p.Val403= (NM_001382223.1, NM_001191028.3, NM_001382216.1 and 2 more transcripts); c.1159-1774A>G (NM_001382219.1); c.1290A>G, p.Val430= (NM_001382217.1); c.1065A>G, p.Val355= (NM_001382221.1); c.1062A>G, p.Val354= (NM_001382222.1).
Identifiers: ClinVar variation 385745 (VCV000385745.13), dbSNP rs754874514, ClinGen allele CA4478224.